The following is an entry in ClinVar:

ClinVar aggregate classification (germline): not provided (0 of 4 stars; one submission).

Conditions:
Developmental and epileptic encephalopathy, 7 (DEE7). Also called: KCNQ2-Related Neonatal Epileptic Encephalopathy; Early infantile epileptic encephalopathy 7; KCNQ2-Related Neonatal-Onset Developmental and Epileptic Encephalopathy (NEO-DEE). Identifiers: Orphanet 439218, MedGen C3150986, MONDO:0013387, OMIM 613720.

Submission:

GeneReviews
No classification provided. Condition: Developmental and epileptic encephalopathy, 7. Review status: no classification provided. Collection method: literature only. Allele origin: germline. Affected: yes.
Comment: EE (epileptic encephalopathy)

Literature cited by the submitters: PubMed 23692823; NCBI Bookshelf NBK32534.

NM_172107.4(KCNQ2):c.860C>A (p.Thr287Asn)

Gene: KCNQ2 (potassium voltage-gated channel subfamily Q member 2; minus strand). Cytogenetic location: 20q13.33.
Variant type: single nucleotide variant.
Coding change: c.860C>A on transcript NM_172107.4 (MANE Select); coding-DNA position 860, C replaced by A.
Protein change: p.Thr287Asn; replaces threonine 287 with asparagine.
Molecular consequence: missense variant.
Genome position (GRCh38, 1-based): chr20:63,439,665, G>T on the plus strand (C>A on the coding strand, the complement: KCNQ2 is on the minus strand). VCF-style: chr20-63439665-G-T. GRCh37 (hg19) VCF-style: chr20-62071018-G-T.
Other names: c.860C>A, p.Thr287Asn (NM_004518.6, NM_172106.3, NM_172108.5 and 1 more transcripts); short protein forms T287N.
Identifiers: ClinVar variation 369767 (VCV000369767.2), dbSNP rs727503973, ClinGen allele CA10654812.